The following is an entry in ClinVar:

Single allele

Gene: POMGNT1 (protein O-linked mannose N-acetylglucosaminyltransferase 1 (beta 1,2-); minus strand). Cytogenetic location: 1p34.1.
Variant type: Deletion.
Identifiers: ClinVar variation 4056465 (VCV004056465.1).

ClinVar aggregate classification (germline): Likely pathogenic (1 of 4 stars; one submission).

Conditions:
Muscular dystrophy-dystroglycanopathy. Also called: Congenital muscular dystrophy due to dystroglycanopathy. Identifiers: Orphanet 370953, MedGen C5679911, MONDO:0018276.

Submission:

Broad Center for Mendelian Genomics, Broad Institute of MIT and Harvard
Classification: Likely pathogenic for Muscular dystrophy-dystroglycanopathy. Last evaluated: 2025-06-06. Review status: criteria provided, single submitter. Criteria: ACMG/ClinGen CNV Guidelines, 2019. Collection method: curation. Allele origin: unknown. Inheritance: Autosomal recessive inheritance.
Comment: A deletion of exons 3 and part of exon 4 in POMGNT1 has not been previously reported in individuals with POMGNT1-associated muscular dystrophy, but has been reported in ClinVar (Variation ID: 1067839) and has been interpreted as likely pathogenic by Invitae. This variant has been identified in 0.02% (2/12514) of Admixed American chromosomes by the Genome Aggregation Database (gnomAD; dbSNP rs2525463245). This intragenic variant is predicted to cause a frameshift, which alters the protein’s amino acid sequence and leads to a premature termination codon. This alteration is then predicted to lead to a truncated or absent protein. Loss of function of POMGNT1 is an established disease mechanism in POMGNT1-associated muscular dystrophy. In summary, this variant meets criteria to be classified as likely pathogenic for autosomal recessive POMGNT1-associated muscular dystrophy. The ACMG/ClinGen evidence codes and points used in this curation are as follows: 1A: 0 points, 2E: 0.90 points, 3A: 0 points, 4E: 0.0 points; 5D: 0.0 points; Total: 0.90 points; Riggs 2020 (PMID: 31690835).